The following is an entry in ClinVar:

ClinVar aggregate classification (germline): Pathogenic. Review status: criteria provided, multiple submitters, no conflicts (2 of 4 stars). 2 submissions from 2 submitters: Pathogenic (2). Last evaluated 2025-05-05.

Conditions:
Cardiomyopathy (CMYO). Also called: Cardiomyopathies. Identifiers: Orphanet 167848, MedGen C0878544, MONDO:0004994, HP:0001638. Inheritance: Various modes of inheritance.
Hypertrophic cardiomyopathy. Also called: HYPERTROPHIC MYOCARDIOPATHY. Identifiers: Orphanet 217569, MedGen C0007194, MeSH D002312, MONDO:0005045, HP:0001639.

Submissions (2):

Labcorp Genetics (formerly Invitae), Labcorp
Classification: Pathogenic for Hypertrophic cardiomyopathy. Last evaluated: 2025-05-05. Review status: criteria provided, single submitter. Criteria: Invitae Variant Classification Sherloc (09022015). Collection method: clinical testing. Allele origin: germline.
Comment: This sequence change creates a premature translational stop signal (p.Pro795Leufs*27) in the MYBPC3 gene. It is expected to result in an absent or disrupted protein product. Loss-of-function variants in MYBPC3 are known to be pathogenic (PMID: 19574547). This variant is not present in population databases (gnomAD no frequency). This premature translational stop signal has been observed in individual(s) with hypertrophic cardiomyopathy (PMID: 15519027). This variant is also known as P794 fs/26. ClinVar contains an entry for this variant (Variation ID: 181150). For these reasons, this variant has been classified as Pathogenic.

GeneDx
Classification: Pathogenic for Cardiomyopathy. Last evaluated: 2011-10-17. Review status: criteria provided, single submitter. Criteria: GeneDx Variant Classification (06012015). Collection method: clinical testing. Allele origin: germline. Affected: yes.
Comment: A deletion of 1 nucleotide (G) in exon 24 of the MYBPC3 gene. The normal sequence with the base that is deleted in braces is: AGCC{G}CCTG. This mutation is denoted c.2382delG at the cDNA level or p.Pro795LeufsX27 at the protein level. The c.2382delG mutation in the MYBPC3 gene (also reported as P794 fs/26 due to alternative nomenclature) has been reported previously in association with HCM, and this mutation was absent from 400 control alleles (Van Driest et al., 2004). The c.2382delG mutation causes a shift in reading frame starting at codon Proline 795, changing it to a Leucine, and creates a premature stop codon at position 27 of the new reading frame. This mutation is expected to result in an abnormal, truncated protein or in absence of protein from this allele due to mRNA decay. The variant is found in HCM panel(s).

Literature cited by the submitters: PubMed 19574547 (cited by Labcorp Genetics (formerly Invitae), Labcorp); PubMed 15519027 (cited by Labcorp Genetics (formerly Invitae), Labcorp).

NM_000256.3(MYBPC3):c.2382del (p.Pro795fs)

Gene: MYBPC3 (myosin binding protein C3; minus strand). Cytogenetic location: 11p11.2.
Variant type: Deletion.
Coding change: c.2382del on transcript NM_000256.3 (MANE Select); coding-DNA position 2382, one base deleted (G; older notation c.2382delG).
Protein change: p.Pro795fs; shifts the reading frame from proline 795.
Molecular consequence: frameshift variant.
Genome position (GRCh38, 1-based): chr11:47,337,721, C deleted on the plus strand (G on the coding strand, the reverse complement: MYBPC3 is on the minus strand). VCF-style (leftmost placement, unchanged base first): chr11-47337720-GC-G. GRCh37 (hg19) VCF-style: chr11-47359271-GC-G.
Other names: c.2382del, p.Pro795fs (LRG_386t1); c.2382delG (NM_000256.3); short protein forms P795fs.
Identifiers: ClinVar variation 181150 (VCV000181150.8), dbSNP rs730880714, ClinGen allele CA012182.
Genomic context (GRCh38, chr11:47,337,720, plus strand): 5'-CACACCTCCATCCGGTGCCCTTGCACTCACCCAGGATGGGCTGCCCGCCATCGTAGGCAG[GC>G]GGCTCCCACTGTACTGTGCAGGAGTCCTCTCCCACGTTGCTGATCTTGGGGGCCGCAGGT-3'